The following is an entry in ClinVar:

NM_016239.4(MYO15A):c.2570del (p.Pro857fs)

Gene: MYO15A (myosin XVA; plus strand). Cytogenetic location: 17p11.2.
Variant type: Deletion.
Coding change: c.2570del on transcript NM_016239.4 (MANE Select); coding-DNA position 2570, one base deleted (C; older notation c.2570delC).
Protein change: p.Pro857fs; shifts the reading frame from proline 857.
Molecular consequence: frameshift variant.
Genome position (GRCh38, 1-based): chr17:18,121,370, C deleted; the last of 3 consecutive C bases (chr17:18,121,368-18,121,370); deleting any one gives the same sequence. VCF-style (leftmost placement, unchanged base first): chr17-18121367-GC-G. GRCh37 (hg19) VCF-style: chr17-18024681-GC-G.
Other names: short protein forms P857fs.
Identifiers: ClinVar variation 3075853 (VCV003075853.1), dbSNP rs2545188611, ClinGen allele CA2825002472.

ClinVar aggregate classification (germline): Likely pathogenic (1 of 4 stars; one submission).

Conditions:
Rare genetic deafness. Identifiers: Orphanet 96210, MedGen C5680250.

Submission:

Laboratory for Molecular Medicine, Mass General Brigham Personalized Medicine
Classification: Likely pathogenic for Rare genetic deafness. Last evaluated: 2022-06-30. Review status: criteria provided, single submitter. Criteria: ACMG Guidelines, 2015. Collection method: clinical testing. Allele origin: germline.
Comment: The p.Pro857fs variant in MYO15A has not been previously reported in individuals with nonsyndromic hearing loss and was absent from large population studies. This variant is predicted to cause a frameshift, which alters the protein’s amino acid sequence beginning at position 857 and leads to a premature termination codon 6 amino acids downstream. Loss of function of the MYO15A gene is an established disease mechanism in autosomal recessive nonsyndromic hearing loss. In summary, although additional studies are required to fully establish its clinical significance, this variant meets criteria to be classified as likely pathogenic for autosomal recessive nonsyndromic hearing loss. ACMG/AMP Criteria applied: PVS1, PM2_P.